The following is an entry in ClinVar:

NM_001035.3(RYR2):c.13057C>G (p.Pro4353Ala)

Genes: RYR2 (ryanodine receptor 2; plus strand), LOC126806068 (BRD4-independent group 4 enhancer GRCh37_chr1:237947411-237948610; plus strand). Cytogenetic location: 1q43.
Variant type: single nucleotide variant.
Coding change: c.13057C>G on transcript NM_001035.3 (MANE Select); coding-DNA position 13057, C replaced by G.
Protein change: p.Pro4353Ala; replaces proline 4353 with alanine.
Molecular consequence: missense variant.
Genome position (GRCh38, 1-based): chr1:237,784,769, C>G. VCF-style: chr1-237784769-C-G. GRCh37 (hg19) VCF-style: chr1-237948069-C-G.
Other names: short protein forms P4353A.
Identifiers: ClinVar variation 2831417 (VCV002831417.3), dbSNP rs794728794, ClinGen allele CA345415148.

ClinVar aggregate classification (germline): Uncertain significance (1 of 4 stars; one submission).

Conditions:
Catecholaminergic polymorphic ventricular tachycardia 1. Also called: VENTRICULAR TACHYCARDIA, CATECHOLAMINERGIC POLYMORPHIC, 1, WITH OR WITHOUT ATRIAL DYSFUNCTION AND/OR DILATED CARDIOMYOPATHY; VENTRICULAR TACHYCARDIA, STRESS-INDUCED POLYMORPHIC 1; RYR2-Related Catecholaminergic Polymorphic Ventricular Tachycardia. Identifiers: Orphanet 3286, MedGen C1631597, MONDO:0011484, OMIM 604772.

Submission:

Labcorp Genetics (formerly Invitae), Labcorp
Classification: Uncertain significance for Catecholaminergic polymorphic ventricular tachycardia 1. Last evaluated: 2024-01-05. Review status: criteria provided, single submitter. Criteria: Invitae Variant Classification Sherloc (09022015). Collection method: clinical testing. Allele origin: germline.
Comment: This sequence change replaces proline, which is neutral and non-polar, with alanine, which is neutral and non-polar, at codon 4353 of the RYR2 protein (p.Pro4353Ala). This variant is not present in population databases (gnomAD no frequency). This variant has not been reported in the literature in individuals affected with RYR2-related conditions. Advanced modeling of protein sequence and biophysical properties (such as structural, functional, and spatial information, amino acid conservation, physicochemical variation, residue mobility, and thermodynamic stability) performed at Invitae indicates that this missense variant is not expected to disrupt RYR2 protein function with a negative predictive value of 95%. In summary, the available evidence is currently insufficient to determine the role of this variant in disease. Therefore, it has been classified as a Variant of Uncertain Significance.